The following is an entry in ClinVar:

NM_019594.4(LRRC8A):c.901A>C (p.Ser301Arg)

Gene: LRRC8A (leucine rich repeat containing 8 VRAC subunit A; plus strand). Cytogenetic location: 9q34.11.
Variant type: single nucleotide variant.
Coding change: c.901A>C on transcript NM_019594.4 (MANE Select); coding-DNA position 901, A replaced by C.
Protein change: p.Ser301Arg; replaces serine 301 with arginine.
Molecular consequence: missense variant.
Genome position (GRCh38, 1-based): chr9:128,908,065, A>C. VCF-style: chr9-128908065-A-C. GRCh37 (hg19) VCF-style: chr9-131670344-A-C.
Other names: c.901A>C, p.Ser301Arg (NM_001127244.2, NM_001127245.2); short protein forms S301R.
Identifiers: ClinVar variation 1719515 (VCV001719515.5), dbSNP rs747438929, ClinGen allele CA5270797.

ClinVar aggregate classification (germline): Uncertain significance (1 of 4 stars; one submission).

Allele frequency attached by ClinVar (database versions not stated): ExAC 0.00001; gnomAD exomes 0.00001.
gnomAD v4.1: 3 of 1,614,078 alleles (0.00019%); highest among the groups gnomAD compares: South Asian, 0.0033%; no homozygotes.

Submission:

Labcorp Genetics (formerly Invitae), Labcorp
Classification: Uncertain significance. Last evaluated: 2024-02-17. Review status: criteria provided, single submitter. Criteria: Invitae Variant Classification Sherloc (09022015). Collection method: clinical testing. Allele origin: germline.
Comment: This sequence change replaces serine, which is neutral and polar, with arginine, which is basic and polar, at codon 301 of the LRRC8A protein (p.Ser301Arg). This variant is present in population databases (rs747438929, gnomAD 0.003%). This variant has not been reported in the literature in individuals affected with LRRC8A-related conditions. ClinVar contains an entry for this variant (Variation ID: 1719515). An algorithm developed to predict the effect of missense changes on protein structure and function (PolyPhen-2) suggests that this variant is likely to be tolerated. In summary, the available evidence is currently insufficient to determine the role of this variant in disease. Therefore, it has been classified as a Variant of Uncertain Significance.